The following is an entry in ClinVar:

ClinVar aggregate classification (germline): Benign. Review status: criteria provided, multiple submitters, no conflicts (2 of 4 stars). 2 submissions from 2 submitters: Benign (2). Last evaluated 2018-06-14.

Allele frequency attached by ClinVar (database versions not stated): gnomAD exomes 0.12986; gnomAD 0.14335 and 0.14731; TOPMed 0.14574; 1000 Genomes Project 0.18670; 1000 Genomes Project 30x 0.18707.
gnomAD v4.1: 190,057 of 1,436,458 alleles (13%); highest among the groups gnomAD compares: East Asian, 25%; 13,924 homozygotes.

Submissions (2):

GeneDx
Classification: Benign. Last evaluated: 2018-06-14. Review status: criteria provided, single submitter. Criteria: GeneDx Variant Classification (06012015). Collection method: clinical testing. Allele origin: germline. Affected: yes.
Comment: This variant is considered likely benign or benign based on one or more of the following criteria: it is a conservative change, it occurs at a poorly conserved position in the protein, it is predicted to be benign by multiple in silico algorithms, and/or has population frequency not consistent with disease.

Breakthrough Genomics
Classification: Benign. Review status: criteria provided, single submitter. Criteria: ACMG Guidelines, 2015. Collection method: not provided. Allele origin: germline. Inheritance: Autosomal dominant inheritance. Affected: yes.

NM_001145809.2(MYH14):c.3034-85G>A

Gene: MYH14 (myosin heavy chain 14; plus strand). Cytogenetic location: 19q13.33.
Variant type: single nucleotide variant.
Coding change: c.3034-85G>A on transcript NM_001145809.2 (MANE Select); 85 bases into the intron before coding-DNA position 3034, G replaced by A.
Molecular consequence: intron variant.
Genome position (GRCh38, 1-based): chr19:50,271,324, G>A. VCF-style: chr19-50271324-G-A. GRCh37 (hg19) VCF-style: chr19-50774581-G-A.
Other names: c.2935-85G>A (NM_001077186.2); c.2911-85G>A (NM_024729.4).
Identifiers: ClinVar variation 667616 (VCV000667616.2), dbSNP rs936021, ClinGen allele CA14716552.